The following is an entry in ClinVar:

ClinVar aggregate classification (germline): Pathogenic/Likely pathogenic. Review status: criteria provided, multiple submitters, no conflicts (2 of 4 stars). 2 submissions from 2 submitters: Pathogenic (1); Likely pathogenic (1). Last evaluated 2025-09-03.

Conditions:
Autosomal recessive nonsyndromic hearing loss 3. Also called: NEUROSENSORY NONSYNDROMIC RECESSIVE DEAFNESS 3. Identifiers: Orphanet 90636, MedGen C1838263, MONDO:0010860, OMIM 600316.

Submissions (2):

Human Genetics Bochum, Ruhr University Bochum
Classification: Likely pathogenic for Autosomal recessive nonsyndromic hearing loss 3. Last evaluated: 2025-09-03. Review status: criteria provided, single submitter. Criteria: ACMG Guidelines, 2015. Collection method: clinical testing. Allele origin: germline. Affected: yes.
Comment: in compound heterozygous state with c.10117_10136del; ACMG criteria used to clasify this variant: PVS1_STR, PM3, PM2_SUP

MVZ Martinsried, Medicover Genetics
Classification: Pathogenic for Autosomal recessive nonsyndromic hearing loss 3. Last evaluated: 2023-11-14. Review status: criteria provided, single submitter. Criteria: ACGS Guidelines, 2020. Collection method: clinical testing. Allele origin: paternal. Affected: yes. Observed: 1 compound heterozygote.

NM_016239.4(MYO15A):c.343del (p.Arg115fs)

Gene: MYO15A (myosin XVA; plus strand). Cytogenetic location: 17p11.2.
Variant type: Deletion.
Coding change: c.343del on transcript NM_016239.4 (MANE Select); coding-DNA position 343, one base deleted (C; older notation c.343delC).
Protein change: p.Arg115fs; shifts the reading frame from arginine 115.
Molecular consequence: frameshift variant.
Genome position (GRCh38, 1-based): chr17:18,119,143, C deleted; the last of 2 consecutive C bases (chr17:18,119,142-18,119,143); deleting either gives the same sequence. VCF-style (leftmost placement, unchanged base first): chr17-18119141-GC-G. GRCh37 (hg19) VCF-style: chr17-18022455-GC-G.
Other names: c.343delC (NM_016239.4); short protein forms R115fs.
Identifiers: ClinVar variation 2683913 (VCV002683913.2), dbSNP rs764251996, ClinGen allele CA2636435588.